The following is an entry in ClinVar:

NM_000170.3(GLDC):c.2607C>A (p.Pro869=)

Gene: GLDC (glycine decarboxylase; minus strand). Cytogenetic location: 9p24.1.
Variant type: single nucleotide variant.
Coding change: c.2607C>A on transcript NM_000170.3 (MANE Select); coding-DNA position 2607, C replaced by A.
Protein change: p.Pro869=; no amino-acid change (proline 869 retained).
Molecular consequence: synonymous variant.
Genome position (GRCh38, 1-based): chr9:6,540,109, G>T on the plus strand (C>A on the coding strand, the complement: GLDC is on the minus strand). VCF-style: chr9-6540109-G-T. GRCh37 (hg19) VCF-style: chr9-6540109-G-T.
Other names: 2607C-A.
Identifiers: ClinVar variation 56084 (VCV000056084.34), dbSNP rs386833565, ClinGen allele CA263389.

ClinVar aggregate classification (germline): Conflicting classifications of pathogenicity. Review status: criteria provided, conflicting classifications (1 of 4 stars). 15 submissions from 15 submitters: Pathogenic (6); Likely pathogenic (5); Uncertain significance (1). 3 of the submissions do not count toward it. Last evaluated 2025-12-14.

Conditions:
GLDC-related disorders.
GLDC-related disorder. Also called: GLDC-related condition.
Glycine encephalopathy 1 (GCE1). Identifiers: MedGen CN376801, MONDO:0958179, OMIM 605899.
Glycine encephalopathy. Also called: Nonketotic hyperglycinemia; Non-ketotic hyperglycinemia. Identifiers: Orphanet 407, MedGen C0751748, MONDO:0011612, HP:0008288.

Allele frequency attached by ClinVar (database versions not stated): ExAC 0.00007; gnomAD 0.00009; ESP Exome Variant Server 0.00008; gnomAD exomes 0.00006 and 0.00008; TOPMed 0.00007.
gnomAD v4.1: 108 of 1,613,308 alleles (0.0067%); highest among the groups gnomAD compares: Middle Eastern, 0.083%; no homozygotes.

Submissions (15):

Labcorp Genetics (formerly Invitae), Labcorp
Classification: Pathogenic for Glycine encephalopathy. Last evaluated: 2025-12-14. Review status: criteria provided, single submitter. Criteria: Invitae Variant Classification Sherloc (09022015). Collection method: clinical testing. Allele origin: germline.
Comment: This sequence change affects codon 869 of the GLDC mRNA. It is a 'silent' change, meaning that it does not change the encoded amino acid sequence of the GLDC protein. This variant is present in population databases (rs386833565, gnomAD 0.01%). This variant has been observed in individual(s) with glycine encephalopathy (PMID: 15851735). It has also been observed to segregate with disease in related individuals. ClinVar contains an entry for this variant (Variation ID: 56084). Algorithms developed to predict the effect of sequence changes on RNA splicing suggest that this variant is not likely to affect RNA splicing. For these reasons, this variant has been classified as Pathogenic.

Natera, Inc.
Classification: Likely pathogenic for Non-ketotic hyperglycinemia. Last evaluated: 2025-10-14. Review status: criteria provided, single submitter. Criteria: Natera Variant Classification Schema (03/2026). Collection method: clinical testing. Allele origin: germline.
Comment: The c.2607C>A variant in GLDC is a synonymous variant that does not alter the encoded amino acid at position 869 (p.P869=). This variant is rare in the general population with a frequency below the threshold expected for the associated phenotype(s). This variant has been observed in one or more individuals affected with the associated recessive disease, as either homozygous or compound heterozygous with a second variant (PMID: 15851735). Additionally, this variant has been observed to segregate in affected family members (PMID: 15851735). Functional studies show that this variant may disrupt protein function (PMID: 15851735). Multiple computational prediction algorithms suggest this variant is unlikely to affect gene or protein function. Given the available evidence, this variant is classified as Likely Pathogenic.

First Genomix Gene Laboratory, Genetic Diagnostics Department
Classification: Pathogenic for Glycine encephalopathy 1. Last evaluated: 2025-07-25. Review status: criteria provided, single submitter. Criteria: ACMG Guidelines, 2015. Collection method: clinical testing. Allele origin: germline. Inheritance: Autosomal recessive inheritance. Affected: no. Observed: 1 variant allele.

Revvity Omics, Revvity
Classification: Likely pathogenic for Glycine encephalopathy 1. Last evaluated: 2025-05-13. Review status: criteria provided, single submitter. Criteria: ACMG Guidelines, 2015. Collection method: clinical testing. Allele origin: germline.

GeneDx
Classification: Pathogenic. Last evaluated: 2025-04-24. Review status: criteria provided, single submitter. Criteria: GeneDx Variant Classification Process June 2021. Collection method: clinical testing. Allele origin: germline. Affected: yes.
Comment: Published functional studies demonstrate a damaging effect and show that this variant impacts splicing and results in reduced mRNA and nonfunctional protein products (PMID: 15851735); Not observed at significant frequency in large population cohorts (gnomAD); This variant is associated with the following publications: (PMID: 30665703, 35315053, 36817643, 15851735)

Women's Health and Genetics/Laboratory Corporation of America, LabCorp
Classification: Pathogenic for Glycine encephalopathy. Last evaluated: 2024-11-20. Review status: criteria provided, single submitter. Criteria: LabCorp Variant Classification Summary - May 2015. Collection method: clinical testing. Allele origin: germline.
Comment: Variant summary: GLDC c.2607C>A alters a conserved nucleotide resulting in a synonymous change. At least one publication reports experimental evidence that this variant affects mRNA splicing (Flusser_2005). The variant allele was found at a frequency of 8.4e-05 in 251436 control chromosomes. This frequency is not significantly higher than estimated for a pathogenic variant in GLDC causing Glycine Encephalopathy (Non-Ketotic Hyperglycinemia) (8.4e-05 vs 0.0031), allowing no conclusion about variant significance. c.2607C>A has been reported in the literature in the homozygous state in multiple individuals affected with Glycine Encephalopathy (Non-Ketotic Hyperglycinemia) including one large family where it segregated with disease. These data indicate that the variant is very likely to be associated with disease. The following publication have been ascertained in the context of this evaluation (PMID: 15851735). ClinVar contains an entry for this variant (Variation ID: 56084). Based on the evidence outlined above, the variant was classified as pathogenic.

Genomic Medicine Center of Excellence, King Faisal Specialist Hospital and Research Centre
Classification: Likely pathogenic for Glycine encephalopathy 1. Last evaluated: 2024-09-22. Review status: criteria provided, single submitter. Criteria: ACMG Guidelines, 2015. Collection method: clinical testing. Allele origin: germline.

Fulgent Genetics
Classification: Likely pathogenic for Glycine encephalopathy 1. Last evaluated: 2024-06-18. Review status: criteria provided, single submitter. Criteria: ACMG Guidelines, 2015. Collection method: clinical testing. Allele origin: germline.

Blueprint Genetics
Classification: Pathogenic for GLDC-related disorders. Last evaluated: 2022-07-07. Review status: criteria provided, single submitter. Criteria: ACMG Guidelines, 2015. Collection method: clinical testing. Allele origin: germline. Affected: yes. Observed: 5 variant alleles.

Myriad Genetics, Inc.
Classification: Uncertain significance for Glycine encephalopathy 1. Last evaluated: 2021-10-01. Review status: criteria provided, single submitter. Criteria: Myriad Women's Health Autosomal Recessive and X-Linked Classification Criteria (2021). Collection method: clinical testing. Allele origin: unknown.
Comment: NM_000170.2(GLDC):c.2607C>A(P869=) is a silent variant classified as a variant of uncertain significance in the context of GLDC-related glycine encephalopathy. P869= has been observed in cases with relevant disease (PMID: 15851735). Functional assessments of this variant are available in the literature (PMID: 15851735). P869= has been observed in population frequency databases (gnomAD: OTH 0.05%). In summary, there is insufficient evidence to classify NM_000170.2(GLDC):c.2607C>A(P869=) as pathogenic or benign. Please note: this variant was assessed in the context of healthy population screening.

Victorian Clinical Genetics Services, Murdoch Childrens Research Institute
Classification: Pathogenic for Glycine encephalopathy. Last evaluated: 2020-06-11. Review status: criteria provided, single submitter. Criteria: ACMG Guidelines, 2015. Collection method: clinical testing. Allele origin: germline. Inheritance: Autosomal recessive inheritance.
Comment: Based on the classification scheme VCGS_Germline_v1.1.1, this variant is classified as Pathogenic. Following criteria are met: 0102 - Loss-of-function is a known mechanism of disease for this gene. (N) 0106 - This gene is known to be associated with autosomal recessive disease. (N) 0209 - Synonymous variant proven to affect splicing/expression of the transcript with uncertain effect on protein structure (exon 22). RNA studies demonstrated aberrant splicing resulting in three abnormally spliced transcripts (PMID: 15851735). (P) 0252 - Variant is homozygous. (N) 0304 - Variant is present in gnomAD <0.01 for a recessive condition (22 heterozygotes, 0 homozygotes). (P) 0508 - In-silico predictions for abnormal splicing are conflicting. (N) 0705 - No comparable variants have previous evidence for pathogenicity. (N) 0803 - Low previous evidence of pathogenicity in unrelated individuals. This variant has previously been reported in one large family and in an additional unrelated but haplotypically identical patient (PMID: 15851735, ClinVar). (P) 0901 - Strong evidence for segregation with disease. 8 affected individuals from the large family reported were found to be homozygous the variant (PMID: 15851735). (P) 1007 - No published functional evidence has been identified for this variant. (N) Legend: (P) - Pathogenic, (N) - Neutral, (B) - Benign

Kariminejad - Najmabadi Pathology & Genetics Center
Classification: Likely pathogenic for Glycine encephalopathy 1. Review status: criteria provided, single submitter. Criteria: ACMG Guidelines, 2015. Collection method: clinical testing. Allele origin: germline. Affected: no.

PreventionGenetics, part of Exact Sciences
Classification: Likely pathogenic for GLDC-related condition. Last evaluated: 2024-09-09. Review status: no assertion criteria provided. Collection method: clinical testing. Allele origin: germline. Not counted in ClinVar's aggregate classification.
Comment: The GLDC c.2607C>A variant is not predicted to result in an amino acid change (p.=). This variant was reported in the homozygous state in multiple individuals within one family and in one unrelated individual affected with glycine encephalopathy (Flusser et al. 2005. PubMed ID: 15851735). This variant was reported within the same family in 9 affected members and in the heterozygous state in all their unaffected parents, supporting variant segregation with disease (Flusser et al. 2005. PubMed ID: 15851735). mRNA studies confirmed that this variant results in exon 22 and exon 22 to 23 skipping, confirming the mechanism of pathogenicity for this synonymous (silent) variant (Flusser et al. 2005. PubMed ID: 15851735). This variant is reported in 0.011% of alleles in individuals of Latino descent in gnomAD. This variant is interpreted as likely pathogenic.

OMIM
Classification: Pathogenic for GLYCINE ENCEPHALOPATHY 1. Last evaluated: 2005-04-26. Review status: no assertion criteria provided. Collection method: literature only. Allele origin: germline. Not counted in ClinVar's aggregate classification.

Juha Muilu Group; Institute for Molecular Medicine Finland (FIMM)
Classification: Likely pathogenic for Non-ketotic hyperglycinemia. Review status: no assertion criteria provided. Collection method: not provided. Allele origin: unknown. Not counted in ClinVar's aggregate classification.
Comment: FinDis database variant: This variant was not found or characterized by our laboratory, data were collected from public sources: see reference
ClinVar note: Converted during submission from probable-pathogenic to Likely pathogenic.

Literature cited by the submitters: PubMed 15851735 (cited by 6 submitters).